The following is an entry in ClinVar:

ClinVar aggregate classification (germline): Uncertain significance (1 of 4 stars; one submission).

Allele frequency attached by ClinVar (database versions not stated): gnomAD exomes below 0.00001.
gnomAD v4.1: 1 of 1,579,582 alleles (0.000063%); highest among the groups gnomAD compares: South Asian, 0.0011%; no homozygotes.

Submission:

GeneDx
Classification: Uncertain significance. Last evaluated: 2022-08-30. Review status: criteria provided, single submitter. Criteria: GeneDx Variant Classification Process June 2021. Collection method: clinical testing. Allele origin: germline. Affected: yes.
Comment: Not observed at significant frequency in large population cohorts (gnomAD); In silico analysis supports that this missense variant does not alter protein structure/function; Has not been previously published as pathogenic or benign to our knowledge

NM_016239.4(MYO15A):c.1648G>A (p.Gly550Ser)

Gene: MYO15A (myosin XVA; plus strand). Cytogenetic location: 17p11.2.
Variant type: single nucleotide variant.
Coding change: c.1648G>A on transcript NM_016239.4 (MANE Select); coding-DNA position 1648, G replaced by A.
Protein change: p.Gly550Ser; replaces glycine 550 with serine.
Molecular consequence: missense variant.
Genome position (GRCh38, 1-based): chr17:18,120,448, G>A. VCF-style: chr17-18120448-G-A. GRCh37 (hg19) VCF-style: chr17-18023762-G-A.
Other names: short protein forms G550S.
Identifiers: ClinVar variation 2442474 (VCV002442474.1), dbSNP rs1188067480, ClinGen allele CA398579757.